The following is an entry in ClinVar:

ClinVar aggregate classification (germline): Benign. Review status: criteria provided, multiple submitters, no conflicts (2 of 4 stars). 17 submissions from 12 submitters: Benign (14). 3 of the submissions do not count toward it. Last evaluated 2026-05-08.

Conditions:
Fibrochondrogenesis 2 (FBCG2). Identifiers: Orphanet 2021, MedGen C3281128, MONDO:0013795, OMIM 614524.
Otospondylomegaepiphyseal dysplasia, autosomal recessive (OSMEDB). Also called: CHONDRODYSTROPHY WITH SENSORINEURAL DEAFNESS; Insley-Astley syndrome. Identifiers: Orphanet 1427, MedGen CN034493, MONDO:0044206, OMIM 215150.
Autosomal dominant nonsyndromic hearing loss 13. Identifiers: Orphanet 90635, MedGen C1866095, MONDO:0011159, OMIM 601868.
Autosomal recessive nonsyndromic hearing loss 53. Identifiers: Orphanet 90636, MedGen C1864746, MONDO:0012333, OMIM 609706.
Otospondylomegaepiphyseal dysplasia, autosomal dominant (OSMEDA). Also called: Stickler syndrome, type 3; COL11A2-Related Stickler Syndrome; Pierre Robin syndrome with fetal chondrodysplasia. Identifiers: Orphanet 166100, Orphanet 3450, MedGen C1848488, MONDO:0008490, OMIM 184840.

Allele frequency attached by ClinVar (database versions not stated): gnomAD 0.22509 and 0.23069; TOPMed 0.22935; ESP Exome Variant Server 0.23175; 1000 Genomes Project 30x 0.24141; 1000 Genomes Project 0.24581; gnomAD exomes 0.26046 and 0.26872; ExAC 0.26366.
gnomAD v4.1: 428,189 of 1,612,232 alleles (27%); highest among the groups gnomAD compares: South Asian, 39%; 59,587 homozygotes.

Submissions (17):

Women's Health and Genetics/Laboratory Corporation of America, LabCorp
Classification: Benign. Last evaluated: 2026-05-08. Review status: criteria provided, single submitter. Criteria: LabCorp Variant Classification Summary - May 2015. Collection method: clinical testing. Allele origin: germline.

Labcorp Genetics (formerly Invitae), Labcorp
Classification: Benign. Last evaluated: 2026-02-04. Review status: criteria provided, single submitter. Criteria: Invitae Variant Classification Sherloc (09022015). Collection method: clinical testing. Allele origin: germline.

Blueprint Genetics
Classification: Benign. Last evaluated: 2024-11-26. Review status: criteria provided, single submitter. Criteria: ACMG Guidelines, 2015. Collection method: clinical testing. Allele origin: germline.

Genome-Nilou Lab
Classification: Benign for Autosomal dominant nonsyndromic hearing loss 13. Last evaluated: 2021-07-22. Review status: criteria provided, single submitter. Criteria: ACMG Guidelines, 2015. Collection method: clinical testing. Allele origin: germline. Affected: no.

Genome-Nilou Lab
Classification: Benign for Autosomal recessive nonsyndromic hearing loss 53. Last evaluated: 2021-07-22. Review status: criteria provided, single submitter. Criteria: ACMG Guidelines, 2015. Collection method: clinical testing. Allele origin: germline. Affected: no.

Genome-Nilou Lab
Classification: Benign for Fibrochondrogenesis 2. Last evaluated: 2021-07-22. Review status: criteria provided, single submitter. Criteria: ACMG Guidelines, 2015. Collection method: clinical testing. Allele origin: germline. Affected: no.

Genome-Nilou Lab
Classification: Benign for Otospondylomegaepiphyseal dysplasia, autosomal dominant. Last evaluated: 2021-07-22. Review status: criteria provided, single submitter. Criteria: ACMG Guidelines, 2015. Collection method: clinical testing. Allele origin: germline. Affected: no.

Genome-Nilou Lab
Classification: Benign for Otospondylomegaepiphyseal dysplasia, autosomal recessive. Last evaluated: 2021-07-22. Review status: criteria provided, single submitter. Criteria: ACMG Guidelines, 2015. Collection method: clinical testing. Allele origin: germline. Affected: no.

Mayo Clinic Laboratories, Mayo Clinic
Classification: Benign. Last evaluated: 2020-12-04. Review status: criteria provided, single submitter. Criteria: ACMG Guidelines, 2015. Collection method: clinical testing. Allele origin: germline. Observed: 68 variant alleles.

Illumina Laboratory Services, Illumina
Classification: Benign for Fibrochondrogenesis 2. Last evaluated: 2018-01-13. Review status: criteria provided, single submitter. Criteria: ICSL Variant Classification Criteria 13 December 2019. Collection method: clinical testing. Allele origin: germline.
Comment: This variant was observed in the ICSL laboratory as part of a predisposition screen in an ostensibly healthy population. It had not been previously curated by ICSL or reported in the Human Gene Mutation Database (HGMD: prior to June 1st, 2018), and was therefore a candidate for classification through an automated scoring system. Utilizing variant allele frequency, disease prevalence and penetrance estimates, and inheritance mode, an automated score was calculated to assess if this variant is too frequent to cause the disease. Based on the score and internal cut-off values, a variant classified as benign is not then subjected to further curation. The score for this variant resulted in a classification of benign for this disease.

Illumina Laboratory Services, Illumina
Classification: Benign for Otospondylomegaepiphyseal dysplasia, autosomal recessive. Last evaluated: 2018-01-13. Review status: criteria provided, single submitter. Criteria: ICSL Variant Classification Criteria 13 December 2019. Collection method: clinical testing. Allele origin: germline.
Comment: the same text as in the submission from Illumina Laboratory Services, Illumina above.

GeneDx
Classification: Benign. Last evaluated: 2016-09-29. Review status: criteria provided, single submitter. Criteria: GeneDx Variant Classification (06012015). Collection method: clinical testing. Allele origin: germline. Affected: yes.
Comment: This variant is considered likely benign or benign based on one or more of the following criteria: it is a conservative change, it occurs at a poorly conserved position in the protein, it is predicted to be benign by multiple in silico algorithms, and/or has population frequency not consistent with disease.

Laboratory for Molecular Medicine, Mass General Brigham Personalized Medicine
Classification: Benign. Last evaluated: 2012-05-07. Review status: criteria provided, single submitter. Criteria: LMM Criteria. Collection method: clinical testing. Allele origin: germline. Observed: 481 variant alleles.
Comment: "Pro1128Pro in Exon 46 of COL11A2: This variant is not expected to have clinical significance because it does not alter an amino acid residue, is not located wi thin the splice consensus sequence, and has been identified in 28.1% (1259/4488) of European American chromosomes from a broad population by the NHLBI Exome Seq uencing Project (dbSNP rs1799911)."

PreventionGenetics, part of Exact Sciences
Classification: Benign. Review status: criteria provided, single submitter. Criteria: ACMG Guidelines, 2015. Collection method: clinical testing. Allele origin: germline.

Diagnostic Laboratory, Department of Genetics, University Medical Center Groningen
Classification: Benign. Review status: no assertion criteria provided. Collection method: clinical testing. Allele origin: germline. Affected: yes. Study: VKGL Data-share Consensus. Not counted in ClinVar's aggregate classification.

Genome Diagnostics Laboratory, Amsterdam University Medical Center
Classification: Benign. Review status: no assertion criteria provided. Collection method: clinical testing. Allele origin: germline. Affected: yes. Study: VKGL Data-share Consensus. Not counted in ClinVar's aggregate classification.

Joint Genome Diagnostic Labs from Nijmegen and Maastricht, Radboudumc and MUMC+
Classification: Benign. Review status: no assertion criteria provided. Collection method: clinical testing. Allele origin: germline. Affected: yes. Study: VKGL Data-share Consensus. Not counted in ClinVar's aggregate classification.

NM_080680.3(COL11A2):c.3384C>T (p.Pro1128=)

Gene: COL11A2 (collagen type XI alpha 2 chain; minus strand). Cytogenetic location: 6p21.32.
Variant type: single nucleotide variant.
Coding change: c.3384C>T on transcript NM_080680.3 (MANE Select); coding-DNA position 3384, C replaced by T.
Protein change: p.Pro1128=; no amino-acid change (proline 1128 retained).
Molecular consequence: synonymous variant.
Genome position (GRCh38, 1-based): chr6:33,170,900, G>A on the plus strand (C>T on the coding strand, the complement: COL11A2 is on the minus strand). VCF-style: chr6-33170900-G-A. GRCh37 (hg19) VCF-style: chr6-33138677-G-A.
Other names: p.Pro1128=; c.3063C>T, p.Pro1021= (NM_080679.3); c.3126C>T, p.Pro1042= (NM_080681.3).
Identifiers: ClinVar variation 226535 (VCV000226535.29), dbSNP rs1799911, ClinGen allele CA3750518.